The following is an entry in ClinVar:

NM_002294.3(LAMP2):c.*2395A>G

Gene: LAMP2 (lysosome associated membrane protein 2; minus strand). Cytogenetic location: Xq24.
Variant type: single nucleotide variant.
Coding change: c.*2395A>G on transcript NM_002294.3 (MANE Select); 2395 bases downstream of the stop codon, A replaced by G.
Molecular consequence: 3 prime UTR variant. On other transcripts: intron variant (1).
Genome position (GRCh38, 1-based): chrX:120,428,928, T>C on the plus strand (A>G on the coding strand, the complement: LAMP2 is on the minus strand). VCF-style: chrX-120428928-T-C. GRCh37 (hg19) VCF-style: chrX-119562783-T-C.
Other names: c.1094-302A>G (NM_001122606.1).
Identifiers: ClinVar variation 367757 (VCV000367757.8), dbSNP rs10127185, ClinGen allele CA10645848.
Genomic context (GRCh38, chrX:120,428,928, plus strand): 5'-CTTGCCTAATATGGGAAGACTTTAGGTTTGATTATCTAATGACACTGGGTTAAGGAGCCA[T>C]CATCTACACTTAAAACCACTGCCTGTGTATTTCCCTACTCTCTTTCTCTTCGTCACACCT-3'

ClinVar aggregate classification (germline): Benign. Review status: criteria provided, multiple submitters, no conflicts (2 of 4 stars). 2 submissions from 2 submitters: Benign (2). Last evaluated 2018-06-14.

Conditions:
Danon disease. Also called: ANTOPOL DISEASE; PSEUDOGLYCOGENOSIS II; GSD IIb; LYSOSOMAL GLYCOGEN STORAGE DISEASE WITHOUT ACID MALTASE DEFICIENCY; Glycogen Storage Disease Type IIb. Identifiers: Orphanet 34587, MedGen C0878677, MONDO:0010281, OMIM 300257.

Allele frequency attached by ClinVar (database versions not stated): gnomAD exomes 0.00736; gnomAD 0.09067 and 0.09686; 1000 Genomes Project 0.10040; 1000 Genomes Project 30x 0.10343; TOPMed 0.10591.
gnomAD v4.1: 14,804 of 746,631 alleles (2%); highest among the groups gnomAD compares: African/African-American, 31%; 1,607 homozygotes.

Submissions (2):

GeneDx
Classification: Benign. Last evaluated: 2018-06-14. Review status: criteria provided, single submitter. Criteria: GeneDx Variant Classification Process June 2021. Collection method: clinical testing. Allele origin: germline. Affected: yes.

Illumina Laboratory Services, Illumina
Classification: Benign for Danon disease. Last evaluated: 2018-01-12. Review status: criteria provided, single submitter. Criteria: ICSL Variant Classification Criteria 13 December 2019. Collection method: clinical testing. Allele origin: germline.
Comment: This variant was observed in the ICSL laboratory as part of a predisposition screen in an ostensibly healthy population. It had not been previously curated by ICSL or reported in the Human Gene Mutation Database (HGMD: prior to June 1st, 2018), and was therefore a candidate for classification through an automated scoring system. Utilizing variant allele frequency, disease prevalence and penetrance estimates, and inheritance mode, an automated score was calculated to assess if this variant is too frequent to cause the disease. Based on the score and internal cut-off values, a variant classified as benign is not then subjected to further curation. The score for this variant resulted in a classification of benign for this disease.